The following is an entry in ClinVar:

NM_002206.3(ITGA7):c.1700A>G (p.His567Arg)

Gene: ITGA7 (integrin subunit alpha 7; minus strand). Cytogenetic location: 12q13.2.
Variant type: single nucleotide variant.
Coding change: c.1700A>G on transcript NM_002206.3 (MANE Select); coding-DNA position 1700, A replaced by G.
Protein change: p.His567Arg; replaces histidine 567 with arginine.
Molecular consequence: missense variant.
Genome position (GRCh38, 1-based): chr12:55,696,936, T>C on the plus strand (A>G on the coding strand, the complement: ITGA7 is on the minus strand). VCF-style: chr12-55696936-T-C. GRCh37 (hg19) VCF-style: chr12-56090720-T-C.
Other names: c.1712A>G, p.His571Arg (NM_001144996.2); c.1421A>G, p.His474Arg (NM_001144997.2); c.1373A>G, p.His458Arg (NM_001367993.1); c.356A>G, p.His119Arg (NM_001367994.1); c.1682A>G, p.His561Arg (NM_001374465.1); c.1832A>G, p.His611Arg (NM_001410977.1); c.1694A>G, p.His565Arg (NM_001414029.1); c.1625A>G, p.His542Arg (NM_001414030.1); and 5 more; short protein forms H538R, H542R, H561R, H506R, H565R, H567R, H611R, H454R.
Identifiers: ClinVar variation 2134086 (VCV002134086.4), dbSNP rs992516033, ClinGen allele CA385188090.

ClinVar aggregate classification (germline): Uncertain significance (1 of 4 stars; one submission).

Conditions:
Congenital muscular dystrophy due to integrin alpha-7 deficiency. Also called: Congenital muscular dystrophy with integrin alpha-7 deficiency; Muscular dystrophy, congenital, due to ITGA7 deficiency; MYOPATHY, CONGENITAL, DUE TO INTEGRIN ALPHA-7 DEFICIENCY. Identifiers: Orphanet 34520, MedGen C2750786, MONDO:0013177, OMIM 613204.

Allele frequency attached by ClinVar (database versions not stated): gnomAD 0.00001.
gnomAD v4.1: 1 of 1,614,104 alleles (0.000062%); highest among the groups gnomAD compares: East Asian, 0.0022%; no homozygotes.

Submission:

Labcorp Genetics (formerly Invitae), Labcorp
Classification: Uncertain significance for Congenital muscular dystrophy due to integrin alpha-7 deficiency. Last evaluated: 2022-05-12. Review status: criteria provided, single submitter. Criteria: Invitae Variant Classification Sherloc (09022015). Collection method: clinical testing. Allele origin: germline.
Comment: In summary, the available evidence is currently insufficient to determine the role of this variant in disease. Therefore, it has been classified as a Variant of Uncertain Significance. Algorithms developed to predict the effect of missense changes on protein structure and function output the following: SIFT: "Tolerated"; PolyPhen-2: "Benign"; Align-GVGD: "Class C0". The arginine amino acid residue is found in multiple mammalian species, which suggests that this missense change does not adversely affect protein function. This variant has not been reported in the literature in individuals affected with ITGA7-related conditions. This variant is present in population databases (no rsID available, gnomAD 0.06%). This sequence change replaces histidine, which is basic and polar, with arginine, which is basic and polar, at codon 567 of the ITGA7 protein (p.His567Arg).